The following is an entry in ClinVar:

NM_001035.3(RYR2):c.9125C>A (p.Ala3042Glu)

Gene: RYR2 (ryanodine receptor 2; plus strand). Cytogenetic location: 1q43.
Variant type: single nucleotide variant.
Coding change: c.9125C>A on transcript NM_001035.3 (MANE Select); coding-DNA position 9125, C replaced by A.
Protein change: p.Ala3042Glu; replaces alanine 3042 with glutamic acid.
Molecular consequence: missense variant.
Genome position (GRCh38, 1-based): chr1:237,699,022, C>A. VCF-style: chr1-237699022-C-A. GRCh37 (hg19) VCF-style: chr1-237862322-C-A.
Other names: p.A3042E:GCA>GAA; c.9125C>A, p.Ala3042Glu (LRG_402t1); short protein forms A3042E.
Identifiers: ClinVar variation 201291 (VCV000201291.18), dbSNP rs794728762, ClinGen allele CA011128.

ClinVar aggregate classification (germline): Uncertain significance. Review status: criteria provided, multiple submitters, no conflicts (2 of 4 stars). 5 submissions from 5 submitters: Uncertain significance (5). Last evaluated 2026-03-21.

Conditions:
Cardiovascular phenotype. Identifiers: MedGen CN230736.
Catecholaminergic polymorphic ventricular tachycardia (CVPT). Also called: Catecholamine-induced polymorphic ventricular tachycardia. Identifiers: Orphanet 3286, MedGen C5574922, MONDO:0017990.
Cardiomyopathy (CMYO). Also called: Cardiomyopathies. Identifiers: Orphanet 167848, MedGen C0878544, MONDO:0004994, HP:0001638. Inheritance: Various modes of inheritance.
Catecholaminergic polymorphic ventricular tachycardia 1. Also called: RYR2-Related Catecholaminergic Polymorphic Ventricular Tachycardia; VENTRICULAR TACHYCARDIA, STRESS-INDUCED POLYMORPHIC 1; VENTRICULAR TACHYCARDIA, CATECHOLAMINERGIC POLYMORPHIC, 1, WITH OR WITHOUT ATRIAL DYSFUNCTION AND/OR DILATED CARDIOMYOPATHY. Identifiers: Orphanet 3286, MedGen C1631597, MONDO:0011484, OMIM 604772.

gnomAD v4.1: 8 of 1,482,794 alleles (0.00054%); highest among the groups gnomAD compares: Non-Finnish European, 0.00074%; no homozygotes.

Submissions (5):

Ambry Genetics
Classification: Uncertain significance for Cardiovascular phenotype. Last evaluated: 2026-03-21. Review status: criteria provided, single submitter. Criteria: Ambry Variant Classification Scheme 2023. Collection method: clinical testing. Allele origin: germline.
Comment: The p.A3042E variant (also known as c.9125C>A), located in coding exon 64 of the RYR2 gene, results from a C to A substitution at nucleotide position 9125. The alanine at codon 3042 is replaced by glutamic acid, an amino acid with dissimilar properties. This amino acid position is conserved. In addition, the in silico prediction for this alteration is inconclusive. Based on the available evidence, the clinical significance of this variant remains unclear.

Labcorp Genetics (formerly Invitae), Labcorp
Classification: Uncertain significance for Catecholaminergic polymorphic ventricular tachycardia 1. Last evaluated: 2025-11-04. Review status: criteria provided, single submitter. Criteria: Invitae Variant Classification Sherloc (09022015). Collection method: clinical testing. Allele origin: germline.
Comment: This sequence change replaces alanine, which is neutral and non-polar, with glutamic acid, which is acidic and polar, at codon 3042 of the RYR2 protein (p.Ala3042Glu). The frequency data for this variant in the population databases is considered unreliable, as metrics indicate poor data quality at this position in the gnomAD database. This variant has not been reported in the literature in individuals affected with RYR2-related conditions. ClinVar contains an entry for this variant (Variation ID: 201291). Invitae Evidence Modeling of protein sequence and biophysical properties (such as structural, functional, and spatial information, amino acid conservation, physicochemical variation, residue mobility, and thermodynamic stability) has been performed for this missense variant. However, the output from this modeling did not meet the statistical confidence thresholds required to predict the impact of this variant on RYR2 protein function. In summary, the available evidence is currently insufficient to determine the role of this variant in disease. Therefore, it has been classified as a Variant of Uncertain Significance.

GeneDx
Classification: Uncertain significance. Last evaluated: 2024-03-19. Review status: criteria provided, single submitter. Criteria: GeneDx Variant Classification Process June 2021. Collection method: clinical testing. Allele origin: germline. Affected: yes.
Comment: Has not been previously published as pathogenic or benign to our knowledge; Not observed at significant frequency in large population cohorts (gnomAD); Not located in one of the three hot-spot regions of the RYR2 gene, where the majority of pathogenic missense variants occur (PMID: 19926015); In silico analysis supports that this missense variant has a deleterious effect on protein structure/function

Color Diagnostics, LLC DBA Color Health
Classification: Uncertain significance for Cardiomyopathy. Last evaluated: 2024-03-06. Review status: criteria provided, single submitter. Criteria: ACMG Guidelines, 2015. Collection method: clinical testing. Allele origin: germline.
Comment: This missense variant replaces alanine with glutamic acid at codon 3042 of the RYR2 protein. Computational prediction is inconclusive regarding the impact of this variant on protein structure and function (internally defined REVEL score threshold 0.5 < inconclusive < 0.7, PMID: 27666373). To our knowledge, functional studies have not been reported for this variant. This variant has not been reported in individuals affected with RYR2-related disorders in the literature. This variant has not been identified in the general population by the Genome Aggregation Database (gnomAD). The available evidence is insufficient to determine the role of this variant in disease conclusively. Therefore, this variant is classified as a Variant of Uncertain Significance.

All of Us Research Program, National Institutes of Health
Classification: Uncertain significance for Catecholaminergic polymorphic ventricular tachycardia. Last evaluated: 2023-03-23. Review status: criteria provided, single submitter. Criteria: ACMG Guidelines, 2015. Collection method: clinical testing. Allele origin: germline. Inheritance: Autosomal dominant inheritance. Observed: 1 variant allele, 1 heterozygote.
Comment: This missense variant replaces alanine with glutamic acid at codon 3042 of the RYR2 protein. Computational prediction is inconclusive regarding the impact of this variant on protein structure and function (internally defined REVEL score threshold 0.5 < inconclusive < 0.7, PMID: 27666373). Splice site prediction tools suggest that this variant may not impact RNA splicing. To our knowledge, functional studies have not been performed for this variant. This variant has not been reported in individuals affected with cardiovascular disorders in the literature. This variant has not been identified in the general population by the Genome Aggregation Database (gnomAD). The available evidence is insufficient to determine the role of this variant in disease conclusively. Therefore, this variant is classified as a Variant of Uncertain Significance.

This study involves interpretation of variants in research participants for the purpose of population health screening. Participant phenotype was not available at the time of variant classification. Additional details can be found in publication PMID: 35346344, PMCID: PMC8962531